The following is an entry in ClinVar:

NM_000204.5(CFI):c.1429+33A>G

Gene: CFI (complement factor I; minus strand). Cytogenetic location: 4q25.
Variant type: single nucleotide variant.
Coding change: c.1429+33A>G on transcript NM_000204.5 (MANE Select); 33 bases into the intron after coding-DNA position 1429, A replaced by G.
Molecular consequence: intron variant.
Genome position (GRCh38, 1-based): chr4:109,746,189, T>C on the plus strand (A>G on the coding strand, the complement: CFI is on the minus strand). VCF-style: chr4-109746189-T-C. GRCh37 (hg19) VCF-style: chr4-110667345-T-C.
Other names: NC_000004.11:g.110667345T>C; c.1408+33A>G (NM_001375282.1, NM_001375280.1, NM_001331035.2); c.1429+33A>G (NM_001375281.1, NM_001375279.1); c.1453+33A>G (NM_001375278.1, NM_001318057.2); c.820+33A>G (NM_001375284.1); c.1372+33A>G (NM_001375283.1).
Identifiers: ClinVar variation 1241139 (VCV001241139.5), dbSNP rs9998151, ClinGen allele CA3041907.

ClinVar aggregate classification (germline): Benign. Review status: criteria provided, multiple submitters, no conflicts (2 of 4 stars). 3 submissions from 3 submitters: Benign (3). Last evaluated 2025-09-26.

Conditions:
CFI-related disorder. Also called: CFI-related disorders; CFI-related condition. Identifiers: MedGen CN239325.

Allele frequency attached by ClinVar (database versions not stated): gnomAD exomes 0.06232; ExAC 0.06788; gnomAD 0.10007 and 0.10269; TOPMed 0.10961; ESP Exome Variant Server 0.11003; 1000 Genomes Project 0.12360; 1000 Genomes Project 30x 0.13054.
gnomAD v4.1: 85,000 of 1,611,546 alleles (5.3%); highest among the groups gnomAD compares: African/African-American, 25%; 4,148 homozygotes.

Submissions (7):

Genomenon, Inc
Classification: Benign for CFI-related disorder. Last evaluated: 2025-09-26. Review status: criteria provided, single submitter. Criteria: Genomenon Sequence Variant Interpretation Standards - Updated. Collection method: curation. Allele origin: germline. Affected: no.
Comment: CFI c.1429+33A>G is an intronic variant located in intron 11. This variant is present at high allele frequency in population databases. In conclusion, we classify CFI c.1429+33A>G as a benign variant.

GeneDx
Classification: Benign. Last evaluated: 2018-11-10. Review status: criteria provided, single submitter. Criteria: GeneDx Variant Classification Process June 2021. Collection method: clinical testing. Allele origin: germline. Affected: yes.
Comment: This variant is associated with the following publications: (PMID: 29292855)

Breakthrough Genomics
Classification: Benign. Review status: criteria provided, single submitter. Criteria: ACMG Guidelines, 2015. Collection method: not provided. Allele origin: germline. Inheritance: Autosomal recessive inheritance. Affected: yes.

Dr. Peter K. Rogan Lab, Western University
No classification provided (evidence only). Condition: Acute myeloid leukemia. Review status: no classification provided. Collection method: in vitro. Allele origin: not applicable. Functional consequence: retained intron. Not counted in ClinVar's aggregate classification.

Dr. Peter K. Rogan Lab, Western University
No classification provided (evidence only). Condition: Thymoma. Review status: no classification provided. Collection method: in vitro. Allele origin: not applicable. Functional consequence: retained intron. Not counted in ClinVar's aggregate classification.

Dr. Peter K. Rogan Lab, Western University
No classification provided (evidence only). Condition: Cholangiocarcinoma. Review status: no classification provided. Collection method: in vitro. Allele origin: not applicable. Functional consequence: retained intron. Not counted in ClinVar's aggregate classification.

Dr. Peter K. Rogan Lab, Western University
No classification provided (evidence only). Condition: Cholangiocarcinoma. Review status: no classification provided. Collection method: in vitro. Allele origin: not applicable. Functional consequence: retained intron. Not counted in ClinVar's aggregate classification.